The following is an entry in ClinVar:

NM_000426.4(LAMA2):c.2267C>T (p.Pro756Leu)

Gene: LAMA2 (laminin subunit alpha 2; plus strand). Cytogenetic location: 6q22.33.
Variant type: single nucleotide variant.
Coding change: c.2267C>T on transcript NM_000426.4 (MANE Select); coding-DNA position 2267, C replaced by T.
Protein change: p.Pro756Leu; replaces proline 756 with leucine.
Molecular consequence: missense variant.
Genome position (GRCh38, 1-based): chr6:129,267,164, C>T. VCF-style: chr6-129267164-C-T. GRCh37 (hg19) VCF-style: chr6-129588309-C-T.
Other names: c.2267C>T, p.Pro756Leu (NM_001079823.2); short protein forms P756L.
Identifiers: ClinVar variation 2420938 (VCV002420938.5), dbSNP rs2482194500, ClinGen allele CA365608843.

ClinVar aggregate classification (germline): Uncertain significance (1 of 4 stars; one submission).

Conditions:
LAMA2-related muscular dystrophy (LAMA2-RD). Also called: Laminin alpha 2-related dystrophy. Identifiers: MedGen C5679788, MONDO:0100228.

Submission:

Labcorp Genetics (formerly Invitae), Labcorp
Classification: Uncertain significance for LAMA2-related muscular dystrophy. Last evaluated: 2022-02-28. Review status: criteria provided, single submitter. Criteria: Invitae Variant Classification Sherloc (09022015). Collection method: clinical testing. Allele origin: germline.
Comment: In summary, the available evidence is currently insufficient to determine the role of this variant in disease. Therefore, it has been classified as a Variant of Uncertain Significance. Advanced modeling of protein sequence and biophysical properties (such as structural, functional, and spatial information, amino acid conservation, physicochemical variation, residue mobility, and thermodynamic stability) performed at Invitae indicates that this missense variant is not expected to disrupt LAMA2 protein function. This variant has not been reported in the literature in individuals affected with LAMA2-related conditions. This variant is not present in population databases (gnomAD no frequency). This sequence change replaces proline, which is neutral and non-polar, with leucine, which is neutral and non-polar, at codon 756 of the LAMA2 protein (p.Pro756Leu).